The following is an entry in ClinVar:

NM_005235.3(ERBB4):c.3635T>C (p.Phe1212Ser)

Gene: ERBB4 (erb-b2 receptor tyrosine kinase 4; minus strand). Cytogenetic location: 2q34.
Variant type: single nucleotide variant.
Coding change: c.3635T>C on transcript NM_005235.3 (MANE Select); coding-DNA position 3635, T replaced by C.
Protein change: p.Phe1212Ser; replaces phenylalanine 1212 with serine.
Molecular consequence: missense variant.
Genome position (GRCh38, 1-based): chr2:211,383,907, A>G on the plus strand (T>C on the coding strand, the complement: ERBB4 is on the minus strand). VCF-style: chr2-211383907-A-G. GRCh37 (hg19) VCF-style: chr2-212248632-A-G.
Other names: c.3587T>C, p.Phe1196Ser (NM_001042599.2); short protein forms F1196S, F1212S.
Identifiers: ClinVar variation 1376242 (VCV001376242.6), dbSNP rs986486076, ClinGen allele CA65138408.

ClinVar aggregate classification (germline): Uncertain significance (1 of 4 stars; one submission).

Allele frequency attached by ClinVar (database versions not stated): gnomAD exomes below 0.00001.
gnomAD v4.1: 5 of 1,614,068 alleles (0.00031%); highest among the groups gnomAD compares: Middle Eastern, 0.033%; no homozygotes.

Submission:

Labcorp Genetics (formerly Invitae), Labcorp
Classification: Uncertain significance. Last evaluated: 2023-11-08. Review status: criteria provided, single submitter. Criteria: Invitae Variant Classification Sherloc (09022015). Collection method: clinical testing. Allele origin: germline.
Comment: This sequence change replaces phenylalanine, which is neutral and non-polar, with serine, which is neutral and polar, at codon 1212 of the ERBB4 protein (p.Phe1212Ser). This variant is not present in population databases (gnomAD no frequency). This variant has not been reported in the literature in individuals affected with ERBB4-related conditions. ClinVar contains an entry for this variant (Variation ID: 1376242). An algorithm developed to predict the effect of missense changes on protein structure and function (PolyPhen-2) suggests that this variant is likely to be tolerated. In summary, the available evidence is currently insufficient to determine the role of this variant in disease. Therefore, it has been classified as a Variant of Uncertain Significance.